The following is an entry in ClinVar:

ClinVar aggregate classification (germline): Uncertain significance. Review status: criteria provided, multiple submitters, no conflicts (2 of 4 stars). 2 submissions from 2 submitters: Uncertain significance (2). Last evaluated 2022-10-14.

Conditions:
Inborn genetic diseases. Identifiers: MedGen C0950123, MeSH D030342.

Allele frequency attached by ClinVar (database versions not stated): TOPMed below 0.00001.

Submissions (2):

GeneDx
Classification: Uncertain significance. Last evaluated: 2022-10-14. Review status: criteria provided, single submitter. Criteria: GeneDx Variant Classification Process June 2021. Collection method: clinical testing. Allele origin: germline. Affected: yes.
Comment: Not observed at significant frequency in large population cohorts (gnomAD); In silico analysis supports that this missense variant has a deleterious effect on protein structure/function; Has not been previously published as pathogenic or benign to our knowledge

Ambry Genetics
Classification: Uncertain significance for Inborn genetic diseases. Last evaluated: 2017-05-31. Review status: criteria provided, single submitter. Criteria: Ambry Variant Classification Scheme 2023. Collection method: clinical testing. Allele origin: germline.
Comment: The p.R1266G variant (also known as c.3796C>G), located in coding exon 26 of the SMARCA2 gene, results from a C to G substitution at nucleotide position 3796. The arginine at codon 1266 is replaced by glycine, an amino acid with dissimilar properties. This amino acid position is highly conserved in available vertebrate species. In addition, the in silico prediction for this alteration is inconclusive. Since supporting evidence is limited at this time, the clinical significance of this alteration remains unclear.

NM_003070.5(SMARCA2):c.3796C>G (p.Arg1266Gly)

Gene: SMARCA2 (SWI/SNF related BAF chromatin remodeling complex subunit ATPase 2; plus strand). Cytogenetic location: 9p24.3.
Variant type: single nucleotide variant.
Coding change: c.3796C>G on transcript NM_003070.5 (MANE Select); coding-DNA position 3796, C replaced by G.
Protein change: p.Arg1266Gly; replaces arginine 1266 with glycine.
Molecular consequence: missense variant.
Genome position (GRCh38, 1-based): chr9:2,123,752, C>G. VCF-style: chr9-2123752-C-G. GRCh37 (hg19) VCF-style: chr9-2123752-C-G.
Other names: c.3796C>G, p.Arg1266Gly (NM_001289396.2, NM_139045.4); c.3622C>G, p.Arg1208Gly (NM_001289397.2); short protein forms R1266G, R1208G.
Identifiers: ClinVar variation 589167 (VCV000589167.6), dbSNP rs768875248, ClinGen allele CA372790218.